The following is an entry in ClinVar:

ClinVar aggregate classification (germline): Uncertain significance (1 of 4 stars; one submission).

Conditions:
Bosch-Boonstra-Schaaf optic atrophy syndrome (BBSOAS). Also called: NR2F1-Related Neurodevelopmental Disorder. Identifiers: Orphanet 401777, MedGen C3810363, MONDO:0014320, OMIM 615722.

Submission:

3billion
Classification: Uncertain significance for Bosch-Boonstra-Schaaf optic atrophy syndrome. Last evaluated: 2025-02-11. Review status: criteria provided, single submitter. Criteria: ACMG Guidelines, 2015. Collection method: clinical testing. Allele origin: germline. Affected: yes.
Comment: The variant is not observed in the gnomAD v4.1.0 dataset. Predicted Consequence/Location: Missense variant In silico tool predictions suggest damaging effect of the variant on gene or gene product [REVEL: 0.96 (>=0.6, sensitivity 0.68 and specificity 0.92)]. Therefore, this variant is classified as VUS according to the recommendation of ACMG/AMP guideline.

NM_005654.6(NR2F1):c.667G>C (p.Ala223Pro)

Gene: NR2F1 (nuclear receptor subfamily 2 group F member 1; plus strand). Cytogenetic location: 5q15.
Variant type: single nucleotide variant.
Coding change: c.667G>C on transcript NM_005654.6 (MANE Select); coding-DNA position 667, G replaced by C.
Protein change: p.Ala223Pro; replaces alanine 223 with proline.
Molecular consequence: missense variant.
Genome position (GRCh38, 1-based): chr5:93,588,120, G>C. VCF-style: chr5-93588120-G-C. GRCh37 (hg19) VCF-style: chr5-92923826-G-C.
Other names: c.217G>C, p.Ala73Pro (NM_001410754.1); short protein forms A223P, A73P.
Identifiers: ClinVar variation 4294066 (VCV004294066.1).